The following is an entry in ClinVar:

NM_080605.4(B3GALT6):c.853G>A (p.Asp285Asn)

Gene: B3GALT6 (beta-1,3-galactosyltransferase 6; plus strand). Cytogenetic location: 1p36.33.
Variant type: single nucleotide variant.
Coding change: c.853G>A on transcript NM_080605.4 (MANE Select); coding-DNA position 853, G replaced by A.
Protein change: p.Asp285Asn; replaces aspartic acid 285 with asparagine.
Molecular consequence: missense variant.
Genome position (GRCh38, 1-based): chr1:1,233,131, G>A. VCF-style: chr1-1233131-G-A. GRCh37 (hg19) VCF-style: chr1-1168511-G-A.
Other names: short protein forms D285N.
Identifiers: ClinVar variation 283597 (VCV000283597.22), dbSNP rs201547600, ClinGen allele CA513450.

ClinVar aggregate classification (germline): Conflicting classifications of pathogenicity. Review status: criteria provided, conflicting classifications (1 of 4 stars). 7 submissions from 7 submitters: Uncertain significance (3); Likely benign (4). Last evaluated 2026-02-01.

Conditions:
Ehlers-Danlos syndrome, spondylodysplastic type, 2 (EDSSPD2). Also called: Ehlers-Danlos syndrome, progeroid type, 2. Identifiers: Orphanet 536467, Orphanet 75496, MedGen C3809210, MONDO:0014139, OMIM 615349.
Spondyloepimetaphyseal dysplasia with joint laxity (SEMDJL). Identifiers: MedGen C0432243, MONDO:0019675.
Spondyloepimetaphyseal dysplasia with joint laxity, type 1, with or without fractures (SEMDJL1). Also called: SPONDYLOEPIMETAPHYSEAL DYSPLASIA WITH JOINT LAXITY, TYPE 1. Identifiers: Orphanet 642099, Orphanet 93359, MedGen C4017377, MONDO:0010075, OMIM 271640.
B3GALT6-related disorder. Also called: B3GALT6-related condition.
Inborn genetic diseases. Identifiers: MedGen C0950123, MeSH D030342.

Allele frequency attached by ClinVar (database versions not stated): gnomAD exomes 0.00005 and 0.00014; gnomAD 0.00061 and 0.00058; 1000 Genomes Project 30x 0.00062; ESP Exome Variant Server 0.00064; TOPMed 0.00071; ExAC 0.00046; 1000 Genomes Project 0.00060.

Submissions (7):

Labcorp Genetics (formerly Invitae), Labcorp
Classification: Likely benign for Ehlers-Danlos syndrome, spondylodysplastic type, 2; Spondyloepimetaphyseal dysplasia with joint laxity. Last evaluated: 2026-02-01. Review status: criteria provided, single submitter. Criteria: Invitae Variant Classification Sherloc (09022015). Collection method: clinical testing. Allele origin: germline.

Women's Health and Genetics/Laboratory Corporation of America, LabCorp
Classification: Likely benign. Last evaluated: 2025-10-16. Review status: criteria provided, single submitter. Criteria: LabCorp Variant Classification Summary - May 2015. Collection method: clinical testing. Allele origin: germline.
Comment: Variant summary: B3GALT6 c.853G>A (p.Asp285Asn) results in a conservative amino acid change in the encoded protein sequence. Algorithms developed to predict the effect of missense changes on protein structure and function are either unavailable or do not agree on the potential impact of this missense change. The variant allele was found at a frequency of 0.00014 in 159190 control chromosomes, predominantly at a frequency of 0.0022 within the African or African-American subpopulation in the gnomAD database. The observed variant frequency within African or African-American control individuals in the gnomAD database exceeds the estimated maximal expected allele frequency for disease-causing variants in B3GALT6. To our knowledge, no occurrence of c.853G>A in individuals affected with B3GALT6-related conditions and no experimental evidence demonstrating its impact on protein function have been reported. ClinVar contains an entry for this variant (Variation ID: 283597). Based on the evidence outlined above, the variant was classified as likely benign.

PreventionGenetics, part of Exact Sciences
Classification: Likely benign for B3GALT6-related condition. Last evaluated: 2025-08-04. Review status: criteria provided, single submitter. Criteria: ACMG Guidelines, 2015. Collection method: clinical testing. Allele origin: germline.
Comment: This variant is classified as likely benign based on ACMG/AMP sequence variant interpretation guidelines (Richards et al. 2015 PMID: 25741868, with internal and published modifications).

Ambry Genetics
Classification: Likely benign for Inborn genetic diseases. Last evaluated: 2023-01-18. Review status: criteria provided, single submitter. Criteria: Ambry Variant Classification Scheme 2023. Collection method: clinical testing. Allele origin: germline.

GeneDx
Classification: Uncertain significance. Last evaluated: 2022-06-24. Review status: criteria provided, single submitter. Criteria: GeneDx Variant Classification Process June 2021. Collection method: clinical testing. Allele origin: germline. Affected: yes.
Comment: Has not been previously published as pathogenic or benign to our knowledge; In silico analysis supports that this missense variant does not alter protein structure/function; This variant is associated with the following publications: (PMID: 26582918)

Baylor Genetics
Classification: Uncertain significance for Spondyloepimetaphyseal dysplasia with joint laxity, type 1, with or without fractures. Last evaluated: 2019-06-05. Review status: criteria provided, single submitter. Criteria: ACMG Guidelines, 2015. Collection method: clinical testing. Allele origin: unknown. Affected: yes.
Comment: This variant was determined to be of uncertain significance according to ACMG Guidelines, 2015 [PMID:25741868].

Eurofins Ntd Llc (ga)
Classification: Uncertain significance. Last evaluated: 2015-10-08. Review status: criteria provided, single submitter. Criteria: EGL Classification Definitions 2015. Collection method: clinical testing. Allele origin: germline. Observed: 1 variant allele, 1 heterozygote.